The following is an entry in ClinVar:

ClinVar aggregate classification (germline): Likely pathogenic (1 of 4 stars; one submission).

Conditions:
Familial hypobetalipoproteinemia 1. Also called: Hypobetalipoproteinemia, normotriglyceridemic; Acanthocytosis with hypobetalipoproteinemia; APOB-Related Familial Hypobetalipoproteinemia. Identifiers: MedGen C4551990, MONDO:0014252, OMIM 615558.
Hypercholesterolemia, autosomal dominant, type B (FHCL2). Also called: Familial Hypercholesterolemia Type B; HYPERCHOLESTEROLEMIA, FAMILIAL, DUE TO LIGAND-DEFECTIVE APOLIPOPROTEIN B; Familial hypercholesterolemia 2; APOB-Related Familial Hypercholesterolemia, Autosomal Dominant; APOLIPOPROTEIN B-100, FAMILIAL DEFECTIVE; APOLIPOPROTEIN B-100, FAMILIAL LIGAND-DEFECTIVE. Identifiers: MedGen C1704417, MONDO:0007751, OMIM 144010.

Submission:

Juno Genomics, Hangzhou Juno Genomics, Inc
Classification: Likely pathogenic for Hypercholesterolemia, autosomal dominant, type B; Familial hypobetalipoproteinemia 1. Review status: criteria provided, single submitter. Criteria: ACMG Guidelines, 2015. Collection method: clinical testing. Allele origin: germline.
Comment: Absent from controls (or at extremely low frequency if recessive) in Genome Aggregation Database.;Null variant in a gene where loss of function (LOF) is a known mechanism of disease.

NM_000384.3(APOB):c.3000-2A>G

Gene: APOB (apolipoprotein B; minus strand). Cytogenetic location: 2p24.1.
Variant type: single nucleotide variant.
Coding change: c.3000-2A>G on transcript NM_000384.3 (MANE Select); the canonical splice acceptor site of the intron before coding-DNA position 3000, A replaced by G.
Molecular consequence: splice acceptor variant.
Genome position (GRCh38, 1-based): chr2:21,019,115, T>C on the plus strand (A>G on the coding strand, the complement: APOB is on the minus strand). VCF-style: chr2-21019115-T-C. GRCh37 (hg19) VCF-style: chr2-21241987-T-C.
Identifiers: ClinVar variation 5019525 (VCV005019525.2).